The following is an entry in ClinVar:

NM_032545.4(CFC1):c.600G>T (p.Arg200=)

Gene: CFC1 (cryptic, EGF-CFC family member 1; minus strand). Cytogenetic location: 2q21.1.
Variant type: single nucleotide variant.
Coding change: c.600G>T on transcript NM_032545.4 (MANE Select); coding-DNA position 600, G replaced by T.
Protein change: p.Arg200=; no amino-acid change (arginine 200 retained).
Molecular consequence: synonymous variant. On other transcripts: missense variant (1).
Genome position (GRCh38, 1-based): chr2:130,592,949, C>A on the plus strand (G>T on the coding strand, the complement: CFC1 is on the minus strand). VCF-style: chr2-130592949-C-A. GRCh37 (hg19) VCF-style: chr2-131350522-C-A.
Other names: p.R200R:CGG>CGT; c.485G>T, p.Gly162Val (NM_001270420.2); c.375G>T, p.Arg125= (NM_001270421.2); short protein forms G162V.
Identifiers: ClinVar variation 136737 (VCV000136737.1), dbSNP rs587780886, ClinGen allele CA290057.

ClinVar aggregate classification (germline): Benign (1 of 4 stars; one submission).

Allele frequency attached by ClinVar (database versions not stated): gnomAD exomes 0.00146; gnomAD 0.00256; 1000 Genomes Project 30x 0.00453.

Submission:

GeneDx
Classification: Benign. Last evaluated: 2014-02-27. Review status: criteria provided, single submitter. Criteria: GeneDx Variant Classification (06012015). Collection method: clinical testing. Allele origin: germline. Affected: yes.
Comment: This variant is considered likely benign or benign based on one or more of the following criteria: it is a conservative change, it occurs at a poorly conserved position in the protein, it is predicted to be benign by multiple in silico algorithms, and/or has population frequency not consistent with disease.